The following is an entry in ClinVar:

NM_000233.4(LHCGR):c.1060G>A (p.Glu354Lys)

Genes: LHCGR (luteinizing hormone/choriogonadotropin receptor; minus strand), STON1-GTF2A1L (STON1-GTF2A1L readthrough; plus strand). Cytogenetic location: 2p16.3.
Variant type: single nucleotide variant.
Coding change: c.1060G>A on transcript NM_000233.4 (MANE Select); coding-DNA position 1060, G replaced by A.
Protein change: p.Glu354Lys; replaces glutamic acid 354 with lysine.
Molecular consequence: missense variant. On other transcripts: intron variant (1).
Genome position (GRCh38, 1-based): chr2:48,688,737, C>T on the plus strand (G>A on the coding strand, the complement: LHCGR is on the minus strand). VCF-style: chr2-48688737-C-T. GRCh37 (hg19) VCF-style: chr2-48915876-C-T.
Other names: c.3441+17057C>T (NM_001198593.2); short protein forms E354K.
Identifiers: ClinVar variation 14398 (VCV000014398.2), dbSNP rs121912529, ClinGen allele CA123927.

ClinVar aggregate classification (germline): Pathogenic. Review status: criteria provided, single submitter (1 of 4 stars). 3 submissions from 2 submitters: Pathogenic (1). 2 of the submissions do not count toward it. Last evaluated 2024-09-30.

Conditions:
Luteinizing hormone resistance, female. Identifiers: MedGen C3668935.
Leydig cell agenesis. Also called: Leydig cell hypoplasia, type 1; HYPERGONADOTROPIC HYPOGONADISM, MALE, DUE TO LHCGR DEFECT; LEYDIG CELL HYPOPLASIA WITH MALE PSEUDOHERMAPHRODITISM; LEYDIG CELL HYPOPLASIA, COMPLETE. Identifiers: MedGen C0266432, MONDO:0009384, OMIM 238320.

Allele frequency attached by ClinVar (database versions not stated): gnomAD exomes below 0.00001.

Submissions (3):

Women's Health and Genetics/Laboratory Corporation of America, LabCorp
Classification: Pathogenic for Leydig cell agenesis. Last evaluated: 2024-09-30. Review status: criteria provided, single submitter. Criteria: LabCorp Variant Classification Summary - May 2015. Collection method: clinical testing. Allele origin: germline.
Comment: Variant summary: LHCGR c.1060G>A (p.Glu354Lys) results in a conservative amino acid change in the encoded protein sequence. Four of five in-silico tools predict a damaging effect of the variant on protein function. The variant was absent in 251316 control chromosomes. The variant was also been reported in several heterozygous males with infertility (e.g., Collodel_2013), however no co-segregation studies were performed. These data indicate that the variant is very likely to be associated with disease. At least two publications report experimental evidence evaluating an impact on protein function, finding that the variant abolished the ability to induce cAMP production (e.g., Stavrou_1998) and resulted in a receptor-signaling deficiency (e.g., Newton_2016). The following publications have been ascertained in the context of this evaluation (PMID: 23884663, 27533885, 9626144). ClinVar contains an entry for this variant (Variation ID: 14398). Based on the evidence outlined above, the variant was classified as pathogenic.

OMIM
Classification: Pathogenic for LEYDIG CELL HYPOPLASIA, TYPE I. Last evaluated: 1998-06-01. Review status: no assertion criteria provided. Collection method: literature only. Allele origin: germline. Not counted in ClinVar's aggregate classification.

OMIM
Classification: Pathogenic for LUTEINIZING HORMONE RESISTANCE, FEMALE. Last evaluated: 1998-06-01. Review status: no assertion criteria provided. Collection method: literature only. Allele origin: germline. Not counted in ClinVar's aggregate classification.

Literature cited by the submitters: PubMed 9626144 (cited by Women's Health and Genetics/Laboratory Corporation of America, LabCorp and OMIM); PubMed 27533885 (cited by Women's Health and Genetics/Laboratory Corporation of America, LabCorp); PubMed 23884663 (cited by Women's Health and Genetics/Laboratory Corporation of America, LabCorp).